The following is an entry in ClinVar:

NM_017849.4(TMEM127):c.444T>C (p.Tyr148=)

Gene: TMEM127 (transmembrane protein 127; minus strand). Cytogenetic location: 2q11.2.
Variant type: single nucleotide variant.
Coding change: c.444T>C on transcript NM_017849.4 (MANE Select); coding-DNA position 444, T replaced by C.
Protein change: p.Tyr148=; no amino-acid change (tyrosine 148 retained).
Molecular consequence: synonymous variant.
Genome position (GRCh38, 1-based): chr2:96,254,081, A>G on the plus strand (T>C on the coding strand, the complement: TMEM127 is on the minus strand). VCF-style: chr2-96254081-A-G. GRCh37 (hg19) VCF-style: chr2-96919819-A-G.
Other names: c.444T>C, p.Tyr148= (NM_001193304.3).
Identifiers: ClinVar variation 696639 (VCV000696639.16), dbSNP rs768545721, ClinGen allele CA1777301.

ClinVar aggregate classification (germline): Benign/Likely benign. Review status: criteria provided, multiple submitters, no conflicts (2 of 4 stars). 4 submissions from 4 submitters: Benign (1); Likely benign (3). Last evaluated 2026-07-30.

Conditions:
Hereditary cancer-predisposing syndrome. Also called: Hereditary neoplastic syndrome; Neoplastic Syndromes, Hereditary; Tumor predisposition; Hereditary Cancer Syndrome. Identifiers: Orphanet 140162, MedGen C0027672, MeSH D009386, MONDO:0015356.
Hereditary pheochromocytoma and paraganglioma. Also called: Hereditary pheochromocytoma-paraganglioma; Hereditary paragangliomas and pheochromocytomas; Hereditary Paraganglioma-Pheochromocytoma Syndromes. Identifiers: Orphanet 29072, MedGen C4274332, MONDO:0017366.

Allele frequency attached by ClinVar (database versions not stated): gnomAD exomes 0.00002; TOPMed below 0.00001; ExAC 0.00002.

Submissions (4):

Myriad Genetics, Inc.
Classification: Benign for Hereditary pheochromocytoma and paraganglioma. Last evaluated: 2026-07-30. Review status: criteria provided, single submitter. Criteria: Myriad Autosomal Dominant, Autosomal Recessive and X-Linked Classification Criteria (2023). Collection method: clinical testing. Allele origin: unknown.
Comment: This variant is considered benign. This variant is a silent/synonymous amino acid change and it is not expected to impact splicing.

Quest Diagnostics Nichols Institute San Juan Capistrano
Classification: Likely benign. Last evaluated: 2025-10-21. Review status: criteria provided, single submitter. Criteria: Quest Diagnostics criteria. Collection method: clinical testing. Allele origin: unknown.

Labcorp Genetics (formerly Invitae), Labcorp
Classification: Likely benign for Hereditary pheochromocytoma and paraganglioma. Last evaluated: 2025-04-17. Review status: criteria provided, single submitter. Criteria: Invitae Variant Classification Sherloc (09022015). Collection method: clinical testing. Allele origin: germline.

Ambry Genetics
Classification: Likely benign for Hereditary cancer-predisposing syndrome. Last evaluated: 2020-04-01. Review status: criteria provided, single submitter. Criteria: Ambry Variant Classification Scheme 2023. Collection method: clinical testing. Allele origin: germline.